The following is an entry in ClinVar:

ClinVar aggregate classification (germline): Uncertain significance. Review status: criteria provided, multiple submitters, no conflicts (2 of 4 stars). 3 submissions from 3 submitters: Uncertain significance (2). 1 of the submissions does not count toward it. Last evaluated 2024-11-25.

Conditions:
GNPTG-mucolipidosis. Also called: MUCOLIPIDOSIS III, COMPLEMENTATION GROUP C; MUCOLIPIDOSIS III, IRANIAN VARIANT FORM; MUCOLIPIDOSIS III, VARIANT FORM; ML III GAMMA; ML IIIC; Mucolipidosis type III gamma. Identifiers: Orphanet 423470, Orphanet 577, MedGen C1854896, MONDO:0009652, OMIM 252605.

Allele frequency attached by ClinVar (database versions not stated): gnomAD 0.00003 and 0.00004; TOPMed 0.00003.
gnomAD v4.1: 39 of 1,613,710 alleles (0.0024%); highest among the groups gnomAD compares: Admixed American, 0.018%; no homozygotes.

Submissions (3):

Women's Health and Genetics/Laboratory Corporation of America, LabCorp
Classification: Uncertain significance. Last evaluated: 2024-11-25. Review status: criteria provided, single submitter. Criteria: LabCorp Variant Classification Summary - May 2015. Collection method: clinical testing. Allele origin: germline.
Comment: Variant summary: GNPTG c.254C>T (p.Pro85Leu) results in a non-conservative amino acid change located in the MRH domain profile ( IPR044865) of the encoded protein sequence. Four of five in-silico tools predict a damaging effect of the variant on protein function. The variant allele was found at a frequency of 5.6e-05 in 251080 control chromosomes. This frequency is not significantly higher than estimated for a pathogenic variant in GNPTG causing GNPTG-mucolipidosis, allowing no conclusion about variant significance. To our knowledge, no occurrence of c.254C>T in individuals affected with GNPTG-mucolipidosis and no experimental evidence demonstrating its impact on protein function have been reported. ClinVar contains an entry for this variant (Variation ID: 969981). Based on the evidence outlined above, the variant was classified as uncertain significance.

Labcorp Genetics (formerly Invitae), Labcorp
Classification: Uncertain significance. Last evaluated: 2022-08-10. Review status: criteria provided, single submitter. Criteria: Invitae Variant Classification Sherloc (09022015). Collection method: clinical testing. Allele origin: germline.
Comment: This sequence change replaces proline, which is neutral and non-polar, with leucine, which is neutral and non-polar, at codon 85 of the GNPTG protein (p.Pro85Leu). This variant is present in population databases (rs747362604, gnomAD 0.03%). This variant has not been reported in the literature in individuals affected with GNPTG-related conditions. ClinVar contains an entry for this variant (Variation ID: 969981). Algorithms developed to predict the effect of missense changes on protein structure and function are either unavailable or do not agree on the potential impact of this missense change (SIFT: "Deleterious"; PolyPhen-2: "Possibly Damaging"; Align-GVGD: "Class C0"). In summary, the available evidence is currently insufficient to determine the role of this variant in disease. Therefore, it has been classified as a Variant of Uncertain Significance.

Natera, Inc.
Classification: Uncertain significance for Mucolipidosis III gamma. Last evaluated: 2021-01-22. Review status: no assertion criteria provided. Collection method: clinical testing. Allele origin: germline. Not counted in ClinVar's aggregate classification.

NM_032520.5(GNPTG):c.254C>T (p.Pro85Leu)

Gene: GNPTG (N-acetylglucosamine-1-phosphate transferase subunit gamma; plus strand). Cytogenetic location: 16p13.3.
Variant type: single nucleotide variant.
Coding change: c.254C>T on transcript NM_032520.5 (MANE Select); coding-DNA position 254, C replaced by T.
Protein change: p.Pro85Leu; replaces proline 85 with leucine.
Molecular consequence: missense variant.
Genome position (GRCh38, 1-based): chr16:1,361,892, C>T. VCF-style: chr16-1361892-C-T. GRCh37 (hg19) VCF-style: chr16-1411893-C-T.
Other names: short protein forms P85L.
Identifiers: ClinVar variation 969981 (VCV000969981.6), dbSNP rs747362604, ClinGen allele CA7807569.
Genomic context (GRCh38, chr16:1,361,892, plus strand): 5'-CGCAGCCTGCGGACCCCCCTCATGCCATCTGTGTCCCCAGGTACAAGTATGAGTTCTGCC[C>T]GTTCCACAACGTGACCCAGCACGAGCAGACCTTCCGCTGGAACGCCTACAGTGGGATCCT-3'
Protein context (NP_115909.1, residues 75-95): VESTYKYEFC[Pro85Leu]FHNVTQHEQT